The following is an entry in ClinVar:

NM_182961.4(SYNE1):c.25199G>A (p.Ser8400Asn)

Gene: SYNE1 (spectrin repeat containing nuclear envelope protein 1; minus strand). Cytogenetic location: 6q25.2.
Variant type: single nucleotide variant.
Coding change: c.25199G>A on transcript NM_182961.4 (MANE Select); coding-DNA position 25199, G replaced by A.
Protein change: p.Ser8400Asn; replaces serine 8400 with asparagine.
Molecular consequence: missense variant.
Genome position (GRCh38, 1-based): chr6:152,141,250, C>T on the plus strand (G>A on the coding strand, the complement: SYNE1 is on the minus strand). VCF-style: chr6-152141250-C-T. GRCh37 (hg19) VCF-style: chr6-152462385-C-T.
Other names: c.1805G>A, p.Ser602Asn (NM_001347701.2); c.1733G>A, p.Ser578Asn (NM_001347702.2); c.25055G>A, p.Ser8352Asn (NM_033071.5); c.25055G>A (NM_033071.3); short protein forms S602N, S8352N, S578N, S8400N.
Identifiers: ClinVar variation 1435902 (VCV001435902.5), dbSNP rs769976238, ClinGen allele CA4052900.

ClinVar aggregate classification (germline): Uncertain significance. Review status: criteria provided, multiple submitters, no conflicts (2 of 4 stars). 2 submissions from 2 submitters: Uncertain significance (2). Last evaluated 2024-10-15.

Conditions:
Emery-Dreifuss muscular dystrophy 4, autosomal dominant (EDMD4). Also called: EMERY-DREIFUSS MUSCULAR DYSTROPHY 4 WITH VARIABLE FEATURES. Identifiers: Orphanet 261, MedGen C2751807, MONDO:0013071, OMIM 612998.
Autosomal recessive ataxia, Beauce type. Also called: Spinocerebellar ataxia, autosomal recessive 8; ATAXIA, RECESSIVE, OF BEAUCE; SYNE1 Deficiency; SYNE1-Related Autosomal Recessive Cerebellar Ataxia. Identifiers: Orphanet 88644, MedGen C1853116, MONDO:0012549, OMIM 610743.

gnomAD v4.1: 91 of 1,614,068 alleles (0.0056%); highest among the groups gnomAD compares: Non-Finnish European, 0.0049%; no homozygotes.

Submissions (2):

Labcorp Genetics (formerly Invitae), Labcorp
Classification: Uncertain significance for Emery-Dreifuss muscular dystrophy 4, autosomal dominant; Autosomal recessive ataxia, Beauce type. Last evaluated: 2024-10-15. Review status: criteria provided, single submitter. Criteria: Invitae Variant Classification Sherloc (09022015). Collection method: clinical testing. Allele origin: germline.
Comment: This sequence change replaces serine, which is neutral and polar, with asparagine, which is neutral and polar, at codon 8352 of the SYNE1 protein (p.Ser8352Asn). This variant is present in population databases (rs769976238, gnomAD 0.06%). This variant has not been reported in the literature in individuals affected with SYNE1-related conditions. ClinVar contains an entry for this variant (Variation ID: 1435902). An algorithm developed to predict the effect of missense changes on protein structure and function outputs the following: PolyPhen-2: "Benign". The asparagine amino acid residue is found in multiple mammalian species, which suggests that this missense change does not adversely affect protein function. In summary, the available evidence is currently insufficient to determine the role of this variant in disease. Therefore, it has been classified as a Variant of Uncertain Significance.

GeneDx
Classification: Uncertain significance. Last evaluated: 2023-02-03. Review status: criteria provided, single submitter. Criteria: GeneDx Variant Classification Process June 2021. Collection method: clinical testing. Allele origin: germline. Affected: yes.
Comment: In silico analysis supports that this missense variant does not alter protein structure/function; Has not been previously published as pathogenic or benign to our knowledge